The following is an entry in ClinVar:

ClinVar aggregate classification (germline): Uncertain significance. Review status: criteria provided, single submitter (1 of 4 stars). 3 submissions from 3 submitters: Uncertain significance (1). 2 of the submissions do not count toward it. Last evaluated 2025-07-02.

Conditions:
Autosomal recessive nonsyndromic hearing loss 9. Also called: Deafness, autosomal recessive 9; NEUROSENSORY NONSYNDROMIC RECESSIVE DEAFNESS 9; OTOF-Related Hearing Loss; AUDITORY NEUROPATHY, AUTOSOMAL RECESSIVE, 1, TEMPERATURE-SENSITIVE. Identifiers: Orphanet 90636, MedGen C1832828, MONDO:0010986, OMIM 601071.

Submissions (3):

Women's Health and Genetics/Laboratory Corporation of America, LabCorp
Classification: Uncertain significance. Last evaluated: 2025-07-02. Review status: criteria provided, single submitter. Criteria: LabCorp Variant Classification Summary - May 2015. Collection method: clinical testing. Allele origin: germline.
Comment: Variant summary: OTOF c.764A>C (p.Gln255Pro) results in a non-conservative amino acid change in the encoded protein sequence. Algorithms developed to predict the effect of missense changes on protein structure and function all suggest that this variant is likely to be disruptive. The variant was absent in 251484 control chromosomes (gnomAD). c.764A>C has been observed in individuals affected with Nonsyndromic Hearing Loss And Deafness, Type 9 or auditory neuropathy (e.g., Pan_2022, Wu_2023). These data indicate that the variant may be associated with disease. To our knowledge, no experimental evidence demonstrating an impact on protein function has been reported. The following publications have been ascertained in the context of this evaluation (PMID: 35640668, 38027523). ClinVar contains an entry for this variant (Variation ID: 1703048). Based on the evidence outlined above, the variant was classified as VUS-possibly pathogenic.

Diagnosis and Treatment Center of Genetic Hearing Loss, Eye & ENT Hospital of Fudan University
Classification: Likely pathogenic for Autosomal recessive nonsyndromic hearing loss 9. Last evaluated: 2026-02-04. Review status: no assertion criteria provided. Collection method: clinical testing. Allele origin: germline. Inheritance: Autosomal recessive inheritance. Affected: yes. Not counted in ClinVar's aggregate classification.
Comment: The c.764A>C (p.Gln255Pro) missense variant in OTOF is absent from population databases (PM2_Supporting). A pathogenic variant at the same codon, c.765G>C (p.Gln255His), has been reported (PM5). The REVEL score is 0.889 (PP3_Moderate). It was found in trans with pathogenic c.1273C>T (PM3).

Deafness Molecular Diagnostic Center, Chinese PLA General Hospital
Classification: Likely pathogenic for Autosomal recessive nonsyndromic hearing loss 9. Review status: no assertion criteria provided. Collection method: clinical testing. Allele origin: inherited. Affected: yes. Not counted in ClinVar's aggregate classification.

Literature cited by the submitters: PubMed 35640668 (cited by Women's Health and Genetics/Laboratory Corporation of America, LabCorp); PubMed 38027523 (cited by Women's Health and Genetics/Laboratory Corporation of America, LabCorp).

NM_194248.3(OTOF):c.764A>C (p.Gln255Pro)

Gene: OTOF (otoferlin; minus strand). Cytogenetic location: 2p23.3.
Variant type: single nucleotide variant.
Coding change: c.764A>C on transcript NM_194248.3 (MANE Select); coding-DNA position 764, A replaced by C.
Protein change: p.Gln255Pro; replaces glutamine 255 with proline.
Molecular consequence: missense variant.
Genome position (GRCh38, 1-based): chr2:26,501,755, T>G on the plus strand (A>C on the coding strand, the complement: OTOF is on the minus strand). VCF-style: chr2-26501755-T-G. GRCh37 (hg19) VCF-style: chr2-26724623-T-G.
Other names: c.764A>C, p.Gln255Pro (NM_001287489.2); short protein forms Q255P.
Identifiers: ClinVar variation 1703048 (VCV001703048.4), dbSNP rs2465317702, ClinGen allele CA346138662.